The following is an entry in ClinVar:

ClinVar aggregate classification (germline): Uncertain significance. Review status: criteria provided, multiple submitters, no conflicts (2 of 4 stars). 2 submissions from 2 submitters: Uncertain significance (2). Last evaluated 2025-11-17.

Conditions:
Intellectual developmental disorder, X-linked, syndromic 33. Also called: X-linked intellectual disability-global development delay-facial dysmorphism-sacral caudal remnant syndrome; Intellectual disability, X-linked, syndromic 33. Identifiers: Orphanet 480907, MedGen C4225418, MONDO:0010500, OMIM 300966.

Allele frequency attached by ClinVar (database versions not stated): gnomAD exomes 0.00003 and 0.00005; ExAC 0.00001; gnomAD 0.00005 and 0.00006; TOPMed 0.00006.
gnomAD v4.1: 39 of 1,210,141 alleles (0.0032%); highest among the groups gnomAD compares: Admixed American, 0.024%; no homozygotes.

Submissions (2):

Labcorp Genetics (formerly Invitae), Labcorp
Classification: Uncertain significance. Last evaluated: 2025-11-17. Review status: criteria provided, single submitter. Criteria: Invitae Variant Classification Sherloc (09022015). Collection method: clinical testing. Allele origin: germline.
Comment: This sequence change replaces isoleucine, which is neutral and non-polar, with valine, which is neutral and non-polar, at codon 773 of the TAF1 protein (p.Ile773Val). This variant is present in population databases (rs764849779, gnomAD 0.02%), including at least one homozygous and/or hemizygous individual. This missense change has been observed in individual(s) with intellectual disability (PMID: 29302074). ClinVar contains an entry for this variant (Variation ID: 931733). Invitae Evidence Modeling of protein sequence and biophysical properties (such as structural, functional, and spatial information, amino acid conservation, physicochemical variation, residue mobility, and thermodynamic stability) indicates that this missense variant is not expected to disrupt TAF1 protein function with a negative predictive value of 80%. In summary, the available evidence is currently insufficient to determine the role of this variant in disease. Therefore, it has been classified as a Variant of Uncertain Significance.

Centre for Mendelian Genomics, University Medical Centre Ljubljana
Classification: Uncertain significance for Intellectual developmental disorder, X-linked, syndromic 33. Last evaluated: 2020-04-02. Review status: criteria provided, single submitter. Criteria: ACMG Guidelines, 2015. Collection method: clinical testing. Allele origin: unknown. Affected: yes.
Comment: This variant was classified as: Uncertain significance. The available evidence on this variant's pathogenicity is insufficient or conflicting. The following ACMG criteria were applied in classifying this variant: BP4. This variant was detected in hemizygous state.

Literature cited by the submitters: PubMed 29302074 (cited by Labcorp Genetics (formerly Invitae), Labcorp).

NM_004606.5(TAF1):c.2257A>G (p.Ile753Val)

Gene: TAF1 (TATA-box binding protein associated factor 1; plus strand). Cytogenetic location: Xq13.1.
Variant type: single nucleotide variant.
Coding change: c.2257A>G on transcript NM_004606.5 (MANE Select); coding-DNA position 2257, A replaced by G.
Protein change: p.Ile753Val; replaces isoleucine 753 with valine.
Molecular consequence: missense variant. On other transcripts: non-coding transcript variant (9).
Genome position (GRCh38, 1-based): chrX:71,387,291, A>G. VCF-style: chrX-71387291-A-G. GRCh37 (hg19) VCF-style: chrX-70607141-A-G.
Other names: c.2257A>G, p.Ile753Val (NM_001286074.2); c.2194A>G, p.Ile732Val (NM_138923.4); short protein forms I732V, I753V.
Identifiers: ClinVar variation 931733 (VCV000931733.8), dbSNP rs764849779, ClinGen allele CA10446855.